The following is an entry in ClinVar:

NM_001110556.2(FLNA):c.1692-16G>T

Gene: FLNA (filamin A; minus strand). Cytogenetic location: Xq28.
Variant type: single nucleotide variant.
Coding change: c.1692-16G>T on transcript NM_001110556.2 (MANE Select); 16 bases into the intron before coding-DNA position 1692, G replaced by T.
Molecular consequence: intron variant.
Genome position (GRCh38, 1-based): chrX:154,364,973, C>A on the plus strand (G>T on the coding strand, the complement: FLNA is on the minus strand). VCF-style: chrX-154364973-C-A. GRCh37 (hg19) VCF-style: chrX-153593341-C-A.
Other names: c.1692-16G>T (NM_001456.4).
Identifiers: ClinVar variation 1953982 (VCV001953982.5), dbSNP rs2522756210, ClinGen allele CA2580101881.

ClinVar aggregate classification (germline): Uncertain significance (1 of 4 stars; one submission).

Conditions:
Heterotopia, periventricular, X-linked dominant (PVNH1). Also called: PERIVENTRICULAR NODULAR HETEROTOPIA 1; PERIVENTRICULAR NODULAR HETEROTOPIA 4; HETEROTOPIA, PERIVENTRICULAR, 1; X-linked periventricular heterotopia. Identifiers: Orphanet 2149, Orphanet 82004, MedGen C1848213, MONDO:0010233, OMIM 300049.
Melnick-Needles syndrome (MNS). Also called: Melnick-Needles Syndrome (FLNA-MNS); MELNICK-NEEDLES OSTEODYSPLASTY; OSTEODYSPLASTY OF MELNICK AND NEEDLES. Identifiers: Orphanet 2484, MedGen C0025237, MONDO:0010650, OMIM 309350.
Oto-palato-digital syndrome, type II (OPD2). Also called: Otopalatodigital Syndrome Type 2 (FLNA-OPD2); FACIOPALATOOSSEOUS SYNDROME; OPD II SYNDROME; Otopalatodigital Syndrome, Type II. Identifiers: Orphanet 669, Orphanet 90652, MedGen C1844696, MONDO:0010571, OMIM 304120.
Frontometaphyseal dysplasia (FMD1). Identifiers: Orphanet 1826, MedGen C0265293, MONDO:0015942.

Submission:

Labcorp Genetics (formerly Invitae), Labcorp
Classification: Uncertain significance for Oto-palato-digital syndrome, type II; Heterotopia, periventricular, X-linked dominant; Frontometaphyseal dysplasia; Melnick-Needles syndrome. Last evaluated: 2022-06-15. Review status: criteria provided, single submitter. Criteria: Invitae Variant Classification Sherloc (09022015). Collection method: clinical testing. Allele origin: germline.
Comment: In summary, the available evidence is currently insufficient to determine the role of this variant in disease. Therefore, it has been classified as a Variant of Uncertain Significance. Algorithms developed to predict the effect of sequence changes on RNA splicing suggest that this variant may disrupt the consensus splice site. This variant has not been reported in the literature in individuals affected with FLNA-related conditions. This variant is not present in population databases (gnomAD no frequency). This sequence change falls in intron 11 of the FLNA gene. It does not directly change the encoded amino acid sequence of the FLNA protein.